The following is an entry in ClinVar:

NM_001080517.3(SETD5):c.3253G>A (p.Gly1085Arg)

Gene: SETD5 (SET domain containing 5; plus strand). Cytogenetic location: 3p25.3.
Variant type: single nucleotide variant.
Coding change: c.3253G>A on transcript NM_001080517.3 (MANE Select); coding-DNA position 3253, G replaced by A.
Protein change: p.Gly1085Arg; replaces glycine 1085 with arginine.
Molecular consequence: missense variant.
Genome position (GRCh38, 1-based): chr3:9,473,293, G>A. VCF-style: chr3-9473293-G-A. GRCh37 (hg19) VCF-style: chr3-9514977-G-A.
Other names: c.2959G>A, p.Gly987Arg (NM_001292043.2, NM_001349451.2); short protein forms G1085R, G987R.
Identifiers: ClinVar variation 3715942 (VCV003715942.2).
Genomic context (GRCh38, chr3:9,473,293, plus strand): 5'-TAGGTATCCCTGCTGGAGTACCGAAAACGGAAACAAGAAGCTAAGGAAAATTCTGCTGGT[G>A]GGGGAGGTGACTCTGCACAGAGCAAAAGCAAGTCTGCAGGAGCTGGGCAAGGCAGCAGTA-3'
Protein context (NP_001073986.1, residues 1075-1095): KQEAKENSAG[Gly1085Arg]GGDSAQSKSK

ClinVar aggregate classification (germline): Uncertain significance (1 of 4 stars; one submission).

gnomAD v4.1: 14 of 1,613,876 alleles (0.00087%); highest among the groups gnomAD compares: South Asian, 0.0011%; no homozygotes.

Submission:

Labcorp Genetics (formerly Invitae), Labcorp
Classification: Uncertain significance. Last evaluated: 2024-10-29. Review status: criteria provided, single submitter. Criteria: Invitae Variant Classification Sherloc (09022015). Collection method: clinical testing. Allele origin: germline.
Comment: This sequence change replaces glycine, which is neutral and non-polar, with arginine, which is basic and polar, at codon 1085 of the SETD5 protein (p.Gly1085Arg). This variant is present in population databases (rs767095342, gnomAD 0.002%). This variant has not been reported in the literature in individuals affected with SETD5-related conditions. Invitae Evidence Modeling of protein sequence and biophysical properties (such as structural, functional, and spatial information, amino acid conservation, physicochemical variation, residue mobility, and thermodynamic stability) indicates that this missense variant is not expected to disrupt SETD5 protein function with a negative predictive value of 80%. In summary, the available evidence is currently insufficient to determine the role of this variant in disease. Therefore, it has been classified as a Variant of Uncertain Significance.